The following is an entry in ClinVar:

NM_001084.5(PLOD3):c.1439A>G (p.Asp480Gly)

Gene: PLOD3 (procollagen-lysine,2-oxoglutarate 5-dioxygenase 3; minus strand). Cytogenetic location: 7q22.1.
Variant type: single nucleotide variant.
Coding change: c.1439A>G on transcript NM_001084.5 (MANE Select); coding-DNA position 1439, A replaced by G.
Protein change: p.Asp480Gly; replaces aspartic acid 480 with glycine.
Molecular consequence: missense variant.
Genome position (GRCh38, 1-based): chr7:101,210,593, T>C on the plus strand (A>G on the coding strand, the complement: PLOD3 is on the minus strand). VCF-style: chr7-101210593-T-C. GRCh37 (hg19) VCF-style: chr7-100853874-T-C.
Other names: short protein forms D480G.
Identifiers: ClinVar variation 1411015 (VCV001411015.6), dbSNP rs1798166388, ClinGen allele CA368614923.

ClinVar aggregate classification (germline): Uncertain significance (1 of 4 stars; one submission).

Allele frequency attached by ClinVar (database versions not stated): TOPMed below 0.00001.
gnomAD v4.1: 2 of 1,614,110 alleles (0.00012%); highest among the groups gnomAD compares: African/African-American, 0.0027%; no homozygotes.

Submission:

Labcorp Genetics (formerly Invitae), Labcorp
Classification: Uncertain significance. Last evaluated: 2021-11-15. Review status: criteria provided, single submitter. Criteria: Invitae Variant Classification Sherloc (09022015). Collection method: clinical testing. Allele origin: germline.
Comment: In summary, the available evidence is currently insufficient to determine the role of this variant in disease. Therefore, it has been classified as a Variant of Uncertain Significance. Algorithms developed to predict the effect of sequence changes on RNA splicing suggest that this variant may create or strengthen a splice site. Algorithms developed to predict the effect of missense changes on protein structure and function (SIFT, PolyPhen-2, Align-GVGD) all suggest that this variant is likely to be tolerated. This variant has not been reported in the literature in individuals affected with PLOD3-related conditions. This variant is not present in population databases (gnomAD no frequency). This sequence change replaces aspartic acid, which is acidic and polar, with glycine, which is neutral and non-polar, at codon 480 of the PLOD3 protein (p.Asp480Gly).